The following is an entry in ClinVar:

ClinVar aggregate classification (germline): Uncertain significance (1 of 4 stars; one submission).

Conditions:
Pheochromocytoma. Also called: MAX-Related Hereditary Paraganglioma-Pheochromocytoma Syndrome. Identifiers: Orphanet 29072, MedGen C0031511, MONDO:0008233, OMIM 171300, HP:0002666.
Gastrointestinal stromal tumor. Also called: Gastrointestinal stromal tumor, somatic; Gastrointestinal stroma tumor. Identifiers: Orphanet 44890, MedGen C0238198, MeSH D046152, MONDO:0011719, OMIM 606764, HP:0100723.
Pheochromocytoma/paraganglioma syndrome 4. Also called: CAROTID BODY TUMORS AND MULTIPLE EXTRAADRENAL PHEOCHROMOCYTOMAS; PARAGANGLIOMA, FAMILIAL MALIGNANT; PARAGANGLIOMAS, HEREDITARY EXTRAADRENAL; PHEOCHROMOCYTOMA, FAMILIAL EXTRAADRENAL; Paragangliomas 4; SDHB-Related Hereditary Paraganglioma-Pheochromocytoma Syndrome (Paragangliomas 4). Identifiers: Orphanet 29072, MedGen C1861848, MONDO:0007273, OMIM 115310.

Submission:

Labcorp Genetics (formerly Invitae), Labcorp
Classification: Uncertain significance for Gastrointestinal stromal tumor; Pheochromocytoma/paraganglioma syndrome 4; Pheochromocytoma. Last evaluated: 2023-06-16. Review status: criteria provided, single submitter. Criteria: Invitae Variant Classification Sherloc (09022015). Collection method: clinical testing. Allele origin: germline.
Comment: In summary, the available evidence is currently insufficient to determine the role of this variant in disease. Therefore, it has been classified as a Variant of Uncertain Significance. Advanced modeling of protein sequence and biophysical properties (such as structural, functional, and spatial information, amino acid conservation, physicochemical variation, residue mobility, and thermodynamic stability) has been performed at Invitae for this missense variant, however the output from this modeling did not meet the statistical confidence thresholds required to predict the impact of this variant on SDHB protein function. This variant has not been reported in the literature in individuals affected with SDHB-related conditions. This variant is not present in population databases (gnomAD no frequency). This sequence change replaces proline, which is neutral and non-polar, with glutamine, which is neutral and polar, at codon 49 of the SDHB protein (p.Pro49Gln).

NM_003000.3(SDHB):c.146C>A (p.Pro49Gln)

Gene: SDHB (succinate dehydrogenase complex iron sulfur subunit B; minus strand). Cytogenetic location: 1p36.13.
Variant type: single nucleotide variant.
Coding change: c.146C>A on transcript NM_003000.3 (MANE Select); coding-DNA position 146, C replaced by A.
Protein change: p.Pro49Gln; replaces proline 49 with glutamine.
Molecular consequence: missense variant.
Genome position (GRCh38, 1-based): chr1:17,044,815, G>T on the plus strand (C>A on the coding strand, the complement: SDHB is on the minus strand). VCF-style: chr1-17044815-G-T. GRCh37 (hg19) VCF-style: chr1-17371310-G-T.
Other names: c.146C>A, p.Pro49Gln (NM_001407361.1); short protein forms P49Q.
Identifiers: ClinVar variation 2948912 (VCV002948912.3), dbSNP rs2078100131, ClinGen allele CA338228018.